The following is an entry in ClinVar:

NM_003982.4(SLC7A7):c.346_349del (p.Ala116fs)

Gene: SLC7A7 (solute carrier family 7 member 7; minus strand). Cytogenetic location: 14q11.2.
Variant type: Deletion.
Coding change: c.346_349del on transcript NM_003982.4 (MANE Select); coding-DNA positions 346 to 349, 4 bases deleted (GCTT; older notation c.346_349delGCTT).
Protein change: p.Ala116fs; shifts the reading frame from alanine 116.
Molecular consequence: frameshift variant.
Genome position (GRCh38, 1-based): chr14:22,813,050-22,813,053, AAGC deleted on the plus strand (GCTT on the coding strand, the reverse complement: SLC7A7 is on the minus strand); deleting any 4 consecutive bases within chr14:22,813,050-22,813,056 gives the same sequence; the c. name uses the placement nearest the transcript's 3' end. VCF-style (leftmost placement, unchanged base first): chr14-22813049-AAAGC-A. GRCh37 (hg19) VCF-style: chr14-23282258-AAAGC-A.
Other names: c.346_349del, p.Ala116fs (NM_001126105.3, NM_001126106.4); c.346_349delGCTT (NM_001126106.2); short protein forms A116fs.
Identifiers: ClinVar variation 2678986 (VCV002678986.5), dbSNP rs2501975297, ClinGen allele CA2624142753.
Genomic context (GRCh38, chr14:22,813,049, plus strand): 5'-ATGGCAATGATGGCCTGGCTGGTGGGCTCAATGATGAGCAGGGAGGTCCAGAGTCTGATG[AAAGC>A]AAGGAATCCTCCAAAGGCCTCCAGGATATAGGCATAGCTGGCCCCAGATTTCTTAATGGT-3'

ClinVar aggregate classification (germline): Pathogenic/Likely pathogenic. Review status: criteria provided, multiple submitters, no conflicts (2 of 4 stars). 3 submissions from 3 submitters: Pathogenic (2); Likely pathogenic (1). Last evaluated 2025-11-04.

Conditions:
Lysinuric protein intolerance (LPI). Identifiers: Orphanet 470, MedGen C0268647, MONDO:0009109, OMIM 222700.

Submissions (3):

Natera, Inc.
Classification: Likely pathogenic for Lysinuric protein intolerance. Last evaluated: 2025-11-04. Review status: criteria provided, single submitter. Criteria: Natera Variant Classification Schema (03/2026). Collection method: clinical testing. Allele origin: germline.
Comment: The c.346_349delGCTT variant in SLC7A7 is a frameshift variant predicted to shift the reading frame beginning at codon 116 and leads to a stop codon 53 codons downstream. This variant is expected to result in nonsense mediated decay, truncation, or a dysfunctional protein product. This variant is rare in the general population with a frequency below the threshold expected for the associated phenotype(s). Given the available evidence, this variant is classified as Likely Pathogenic.

Labcorp Genetics (formerly Invitae), Labcorp
Classification: Pathogenic for Lysinuric protein intolerance. Last evaluated: 2023-11-21. Review status: criteria provided, single submitter. Criteria: Invitae Variant Classification Sherloc (09022015). Collection method: clinical testing. Allele origin: germline.
Comment: This sequence change creates a premature translational stop signal (p.Ala116Serfs*53) in the SLC7A7 gene. It is expected to result in an absent or disrupted protein product. Loss-of-function variants in SLC7A7 are known to be pathogenic (PMID: 10631139, 17764084). This variant is not present in population databases (gnomAD no frequency). This premature translational stop signal has been observed in individual(s) with lysinuric protein intolerance (PMID: 23542076). For these reasons, this variant has been classified as Pathogenic.

Baylor Genetics
Classification: Pathogenic for Lysinuric protein intolerance. Last evaluated: 2023-02-09. Review status: criteria provided, single submitter. Criteria: ACMG Guidelines, 2015. Collection method: clinical testing. Allele origin: unknown.

Literature cited by the submitters: PubMed 10631139 (cited by Labcorp Genetics (formerly Invitae), Labcorp); PubMed 17764084 (cited by Labcorp Genetics (formerly Invitae), Labcorp); PubMed 23542076 (cited by Labcorp Genetics (formerly Invitae), Labcorp).